The following is an entry in ClinVar:

NM_000173.7(GP1BA):c.1562_1563del (p.Leu521fs)

Gene: GP1BA (glycoprotein Ib platelet subunit alpha; plus strand). Cytogenetic location: 17p13.2.
Variant type: Microsatellite.
Coding change: c.1562_1563del on transcript NM_000173.7 (MANE Select); coding-DNA positions 1562 to 1563, 2 bases deleted (TC; older notation c.1562_1563delTC).
Protein change: p.Leu521fs; shifts the reading frame from leucine 521.
Molecular consequence: frameshift variant.
Genome position (GRCh38, 1-based): chr17:4,934,166-4,934,167, TC deleted; deleting any 2 consecutive bases within chr17:4,934,164-4,934,167 gives the same sequence; the c. name uses the placement nearest the transcript's 3' end. VCF-style (leftmost placement, unchanged base first): chr17-4934163-TTC-T. GRCh37 (hg19) VCF-style: chr17-4837458-TTC-T.
Other names: NM_000173.7:c.1562_1563del; short protein forms L521fs.
Identifiers: ClinVar variation 4539007 (VCV004539007.1).

ClinVar aggregate classification (germline): Pathogenic (3 of 4 stars; one submission).

Conditions:
Bernard Soulier syndrome (BSS). Also called: GLYCOPROTEIN Ib, PLATELET, DEFICIENCY OF; PLATELET GLYCOPROTEIN Ib DEFICIENCY; VON WILLEBRAND FACTOR RECEPTOR DEFICIENCY; Giant platelet syndrome; Hemorrhagiparous thrombocytic dystrophy; Giant platelet disease. Identifiers: Orphanet 274, MedGen C0005129, MeSH D001606, MONDO:0009276, OMIM 231200.

Submission:

ClinGen Platelet Disorders Variant Curation Expert Panel, ClinGen
Classification: Pathogenic for Bernard Soulier syndrome. Last evaluated: 2025-11-06. Review status: reviewed by expert panel. Criteria: ClinGen Platelet ACMG Specifications GP1BA V1.0.0. Collection method: curation. Allele origin: germline. Inheritance: Autosomal recessive inheritance.
Comment: The c.1562_1563del (p.Leu521ProfsTer81) variant in GP1BA is a frameshift variant that may cause a premature stop codon that is predicted to escape nonsense mediated decay, however the truncation includes the functionally important transmembrane domain in a gene where loss-of-function is an established disease mechanism (PVS1_Strong). At least one patient (Patient BSS-1 in PMID:23300803) with this variant had aggregation absent for ristocetin and present for all other agonists as well as less than 10% expression of GPIba measured by flow cytometry, which is highly specific for Bernard-Soulier syndrome. Additionally, the patient had excessive mucocutaneous bleeding and macrothrombocytopenia which are consistent with Bernard-Soulier syndrome (PP4). This variant has been detected in at least three probands with Bernard-Soulier syndrome. One proband was compound heterozygous for this variant and the likely pathogenic c.952del (p.Ala318ProfsTer17) variant (PMID: 23300803) and two additional probands (PMIDs: 9326230 and 9326229) were homozygous for the variant (PM3_Strong). Surface expression of GP1a measured by flow cytometry and western blot in CHO cells transiently co-transfected with c.1562_1563del variant GP1a and wild type GP1a showed decreased expression at <25% WT levels, indicating that this variant impacts protein function (PMID: 9326230)(PS3_supporting). This variant is absent from gnomAD v4.1.0 (PM2_Supporting). In summary, this variant meets the criteria to be classified as Pathogenic for autosomal recessive Bernard-Soulier syndrome based on the ACMG/AMP criteria applied, as specified by the ClinGen PD VCEP: PVS1_Strong, PP4, PM3_Strong, PS3_Supporting, and PM2_Supporting (VCEP specifications version 1).

Literature cited by the submitters: PubMed 9326229; PubMed 9326230.